The following is an entry in ClinVar:

ClinVar aggregate classification (germline): Uncertain significance (1 of 4 stars; one submission).

gnomAD v4.1: 1 of 1,614,200 alleles (0.000062%); highest among the groups gnomAD compares: Non-Finnish European, 0.000085%; no homozygotes.

Submission:

Ambry Genetics
Classification: Uncertain significance. Last evaluated: 2023-09-22. Review status: criteria provided, single submitter. Criteria: Ambry Variant Classification Scheme 2023. Collection method: clinical testing. Allele origin: germline.
Comment: The p.A1417V variant (also known as c.4250C>T), located in coding exon 4 of the ALPK2 gene, results from a C to T substitution at nucleotide position 4250. The alanine at codon 1417 is replaced by valine, an amino acid with similar properties. This amino acid position is conserved. In addition, this alteration is predicted to be tolerated by in silico analysis. Since supporting evidence is limited at this time, the clinical significance of this alteration remains unclear.

NM_052947.4(ALPK2):c.4250C>T (p.Ala1417Val)

Genes: ALPK2 (alpha kinase 2; minus strand), LOC126862764 (BRD4-independent group 4 enhancer GRCh37_chr18:56202574-56203773; plus strand). Cytogenetic location: 18q21.31.
Variant type: single nucleotide variant.
Coding change: c.4250C>T on transcript NM_052947.4 (MANE Select); coding-DNA position 4250, C replaced by T.
Protein change: p.Ala1417Val; replaces alanine 1417 with valine.
Molecular consequence: missense variant.
Genome position (GRCh38, 1-based): chr18:58,535,937, G>A on the plus strand (C>T on the coding strand, the complement: ALPK2 is on the minus strand). VCF-style: chr18-58535937-G-A. GRCh37 (hg19) VCF-style: chr18-56203169-G-A.
Other names: short protein forms A1417V.
Identifiers: ClinVar variation 3228728 (VCV003228728.1), dbSNP rs1787207765, ClinGen allele CA402563498.
Genomic context (GRCh38, chr18:58,535,937, plus strand): 5'-TTTGATTGACCCCCTTCTCTGGCGCCCTGTGGTGTGGTTTCAGAGGGCTCTGGTTTTCCA[G>A]CCCTGGTGTACTCTATCACACTTATCTCATCAATGGGATCTACAGAGGACTCTAGGATTT-3'
Protein context (NP_443179.3, residues 1407-1427): DEISVIEYTR[Ala1417Val]GKPEPSETTP